The following is an entry in ClinVar:

NM_003072.5(SMARCA4):c.4848G>A (p.Pro1616=)

Gene: SMARCA4 (SWI/SNF related BAF chromatin remodeling complex subunit ATPase 4; plus strand). Cytogenetic location: 19p13.2.
Variant type: single nucleotide variant.
Coding change: c.4848G>A on transcript NM_003072.5 (MANE Select); coding-DNA position 4848, G replaced by A.
Protein change: p.Pro1616=; no amino-acid change (proline 1616 retained).
Molecular consequence: synonymous variant. On other transcripts: non-coding transcript variant (1).
Genome position (GRCh38, 1-based): chr19:11,060,124, G>A. VCF-style: chr19-11060124-G-A. GRCh37 (hg19) VCF-style: chr19-11170800-G-A.
Other names: c.4848G>A, p.Pro1616= (NM_001128844.3); c.4758G>A, p.Pro1586= (NM_001128845.2); c.4755G>A, p.Pro1585= (NM_001128846.2); c.4749G>A, p.Pro1583= (NM_001128847.4, NM_001374457.1); c.4746G>A, p.Pro1582= (NM_001128848.2); c.4944G>A, p.Pro1648= (NM_001128849.3, NM_001387283.1).
Identifiers: ClinVar variation 415160 (VCV000415160.33), dbSNP rs370590601, ClinGen allele CA9204888.

ClinVar aggregate classification (germline): Benign/Likely benign. Review status: criteria provided, multiple submitters, no conflicts (2 of 4 stars). 7 submissions from 7 submitters: Benign (2); Likely benign (5). Last evaluated 2026-07-27.

Conditions:
Hereditary cancer-predisposing syndrome. Also called: Hereditary Cancer Syndrome; Hereditary neoplastic syndrome; Neoplastic Syndromes, Hereditary; Tumor predisposition. Identifiers: Orphanet 140162, MedGen C0027672, MeSH D009386, MONDO:0015356.
Rhabdoid tumor predisposition syndrome 2 (RTPS2). Identifiers: Orphanet 231108, Orphanet 69077, MedGen C2750074, MONDO:0013224, OMIM 613325.

Allele frequency attached by ClinVar (database versions not stated): gnomAD exomes 0.00003 and 0.00006; 1000 Genomes Project 30x 0.00016; ESP Exome Variant Server 0.00018; gnomAD 0.00009 and 0.00008; TOPMed 0.00009; ExAC 0.00016; 1000 Genomes Project 0.00020.
gnomAD v4.1: 59 of 1,550,958 alleles (0.0038%); highest among the groups gnomAD compares: Middle Eastern, 0.05%; no homozygotes.

Submissions (7):

Myriad Genetics, Inc.
Classification: Benign for Rhabdoid tumor predisposition syndrome 2. Last evaluated: 2026-07-27. Review status: criteria provided, single submitter. Criteria: Myriad Autosomal Dominant, Autosomal Recessive and X-Linked Classification Criteria (2023). Collection method: clinical testing. Allele origin: unknown.
Comment: This variant is considered benign. This variant is a silent/synonymous amino acid change and it is not expected to impact splicing.

Labcorp Genetics (formerly Invitae), Labcorp
Classification: Likely benign for Rhabdoid tumor predisposition syndrome 2. Last evaluated: 2026-02-03. Review status: criteria provided, single submitter. Criteria: Invitae Variant Classification Sherloc (09022015). Collection method: clinical testing. Allele origin: germline.

CeGaT Center for Human Genetics Tuebingen
Classification: Likely benign. Last evaluated: 2024-11-01. Review status: criteria provided, single submitter. Criteria: CeGaT Center For Human Genetics Tuebingen Variant Classification Criteria Version 2. Collection method: clinical testing. Allele origin: germline. Affected: yes. Observed: 1 variant allele.
Comment: SMARCA4: BP4, BP7

Blueprint Genetics
Classification: Likely benign. Last evaluated: 2024-09-23. Review status: criteria provided, single submitter. Criteria: ACMG Guidelines, 2015. Collection method: clinical testing. Allele origin: germline.

Sema4
Classification: Benign for Hereditary cancer-predisposing syndrome. Last evaluated: 2021-03-11. Review status: criteria provided, single submitter. Criteria: Sema4 Curation Guidelines. Collection method: curation. Allele origin: germline.

GeneDx
Classification: Likely benign. Last evaluated: 2019-06-10. Review status: criteria provided, single submitter. Criteria: GeneDx Variant Classification Process June 2021. Collection method: clinical testing. Allele origin: germline. Affected: yes.

Ambry Genetics
Classification: Likely benign for Hereditary cancer-predisposing syndrome. Last evaluated: 2015-08-18. Review status: criteria provided, single submitter. Criteria: Ambry Variant Classification Scheme 2023. Collection method: clinical testing. Allele origin: germline.